The following is an entry in ClinVar:

NM_152564.5(VPS13B):c.3255del (p.Pro1086fs)

Gene: VPS13B (vacuolar protein sorting 13 homolog B; plus strand). Cytogenetic location: 8q22.2.
Variant type: Deletion.
Coding change: c.3255del on transcript NM_152564.5 (MANE Select); coding-DNA position 3255, one base deleted (G; older notation c.3255delG).
Protein change: p.Pro1086fs; shifts the reading frame from proline 1086.
Molecular consequence: frameshift variant.
Genome position (GRCh38, 1-based): chr8:99,442,445, G deleted. VCF-style (leftmost placement, unchanged base first): chr8-99442444-TG-T. GRCh37 (hg19) VCF-style: chr8-100454672-TG-T.
Other names: c.3255del, p.Pro1086fs (NM_017890.5); short protein forms P1086fs.
Identifiers: ClinVar variation 4081825 (VCV004081825.1).

ClinVar aggregate classification (germline): Pathogenic (1 of 4 stars; one submission).

Conditions:
Cohen syndrome (COH1). Also called: PEPPER SYNDROME; Cutis verticis gyrata, retinitis pigmentosa, and sensorineural deafness. Identifiers: Orphanet 193, MedGen C0265223, MONDO:0008999, OMIM 216550.

Submission:

Myriad Genetics, Inc.
Classification: Pathogenic for Cohen syndrome. Last evaluated: 2025-05-14. Review status: criteria provided, single submitter. Criteria: Myriad Autosomal Dominant, Autosomal Recessive and X-Linked Classification Criteria (2023). Collection method: clinical testing. Allele origin: unknown.
Comment: NM_017890.4(VPS13B):c.3255delG(P1086Lfs*15) is a frameshift variant classified as pathogenic in the context of Cohen syndrome. P1086Lfs*15 has not been observed in cases with relevant disease. Relevant functional assessments of this variant are not available in the literature. P1086Lfs*15 has not been observed in referenced population frequency databases. In summary, NM_017890.4(VPS13B):c.3255delG(P1086Lfs*15) is a frameshift variant in a gene where loss of function is a known mechanism of disease and is predicted to disrupt protein function. Please note: this variant was assessed in the context of healthy population screening.